The following is an entry in ClinVar:

ClinVar aggregate classification (germline): Uncertain significance. Review status: criteria provided, multiple submitters, no conflicts (2 of 4 stars). 2 submissions from 2 submitters: Uncertain significance (2). Last evaluated 2022-09-22.

Conditions:
Pyogenic arthritis-pyoderma gangrenosum-acne syndrome (PAPA). Also called: FAMILIAL RECURRENT ARTHRITIS; PAPA SYNDROME. Identifiers: Orphanet 69126, MedGen C1858361, MONDO:0011462, OMIM 604416.
Inborn genetic diseases. Identifiers: MedGen C0950123, MeSH D030342.

Allele frequency attached by ClinVar (database versions not stated): gnomAD exomes 0.00001.
gnomAD v4.1: 7 of 1,600,974 alleles (0.00044%); highest among the groups gnomAD compares: Admixed American, 0.0017%; no homozygotes.

Submissions (2):

Ambry Genetics
Classification: Uncertain significance for Inborn genetic diseases. Last evaluated: 2022-09-22. Review status: criteria provided, single submitter. Criteria: Ambry Variant Classification Scheme 2023. Collection method: clinical testing. Allele origin: germline.

Labcorp Genetics (formerly Invitae), Labcorp
Classification: Uncertain significance for Pyogenic arthritis-pyoderma gangrenosum-acne syndrome. Last evaluated: 2022-08-15. Review status: criteria provided, single submitter. Criteria: Invitae Variant Classification Sherloc (09022015). Collection method: clinical testing. Allele origin: germline.
Comment: In summary, the available evidence is currently insufficient to determine the role of this variant in disease. Therefore, it has been classified as a Variant of Uncertain Significance. Algorithms developed to predict the effect of missense changes on protein structure and function are either unavailable or do not agree on the potential impact of this missense change (SIFT: "Deleterious"; PolyPhen-2: "Possibly Damaging"; Align-GVGD: "Class C0"). ClinVar contains an entry for this variant (Variation ID: 1397678). This variant has not been reported in the literature in individuals affected with PSTPIP1-related conditions. The frequency data for this variant in the population databases is considered unreliable, as metrics indicate poor data quality at this position in the gnomAD database. This sequence change replaces lysine, which is basic and polar, with threonine, which is neutral and polar, at codon 142 of the PSTPIP1 protein (p.Lys142Thr).

NM_003978.5(PSTPIP1):c.425A>C (p.Lys142Thr)

Gene: PSTPIP1 (proline-serine-threonine phosphatase interacting protein 1; plus strand). Cytogenetic location: 15q24.3.
Variant type: single nucleotide variant.
Coding change: c.425A>C on transcript NM_003978.5 (MANE Select); coding-DNA position 425, A replaced by C.
Protein change: p.Lys142Thr; replaces lysine 142 with threonine.
Molecular consequence: missense variant. On other transcripts: non-coding transcript variant (1).
Genome position (GRCh38, 1-based): chr15:77,028,561, A>C. VCF-style: chr15-77028561-A-C. GRCh37 (hg19) VCF-style: chr15-77320902-A-C.
Other names: c.425A>C, p.Lys142Thr (NM_001321135.2); c.398A>C, p.Lys133Thr (NM_001321136.2); c.620A>C, p.Lys207Thr (NM_001321137.1); c.425A>C (NM_003978.3); short protein forms K133T, K207T, K142T.
Identifiers: ClinVar variation 1397678 (VCV001397678.9), dbSNP rs1181890332, ClinGen allele CA393519754.